The following is an entry in ClinVar:

NM_000290.4(PGAM2):c.310G>A (p.Ala104Thr)

Genes: DBNL (drebrin like; plus strand), PGAM2 (phosphoglycerate mutase 2; minus strand). Cytogenetic location: 7p13.
Variant type: single nucleotide variant.
Coding change: c.310G>A on transcript NM_000290.4 (MANE Select); coding-DNA position 310, G replaced by A.
Protein change: p.Ala104Thr; replaces alanine 104 with threonine.
Molecular consequence: missense variant. On other transcripts: 3 prime UTR variant (6).
Genome position (GRCh38, 1-based): chr7:44,065,220, C>T on the plus strand (G>A on the coding strand, the complement: PGAM2 is on the minus strand). VCF-style: chr7-44065220-C-T. GRCh37 (hg19) VCF-style: chr7-44104819-C-T.
Other names: c.*4304C>T (NM_001014436.3, NM_001122956.2, NM_001284313.2 and 3 more transcripts); short protein forms A104T.
Identifiers: ClinVar variation 289850 (VCV000289850.18), dbSNP rs150570281, ClinGen allele CA4236626.

ClinVar aggregate classification (germline): Conflicting classifications of pathogenicity. Review status: criteria provided, conflicting classifications (1 of 4 stars). 6 submissions from 6 submitters: Uncertain significance (4); Likely benign (1). 1 of the submissions does not count toward it. Last evaluated 2026-02-01.

Conditions:
PGAM2-related disorder. Also called: PGAM2-related condition.
Glycogen storage disease type X (GSD10). Also called: GSD X; Glycogen storage disease due to phosphoglycerate mutase deficiency; MYOPATHY DUE TO PHOSPHOGLYCERATE MUTASE DEFICIENCY; PGAMM DEFICIENCY; PHOSPHOGLYCERATE MUTASE, MUSCLE, DEFICIENCY OF; Dimauro disease. Identifiers: Orphanet 97234, MedGen C0268149, MONDO:0009865, OMIM 261670.

Allele frequency attached by ClinVar (database versions not stated): gnomAD exomes 0.00011 and 0.00025; ExAC 0.00036; ESP Exome Variant Server 0.00085; 1000 Genomes Project 0.00100; gnomAD 0.00125 and 0.00132; TOPMed 0.00130; 1000 Genomes Project 30x 0.00172.
gnomAD v4.1: 354 of 1,614,050 alleles (0.022%); highest among the groups gnomAD compares: African/African-American, 0.41%; 3 homozygotes.

Submissions (6):

Labcorp Genetics (formerly Invitae), Labcorp
Classification: Likely benign for Glycogen storage disease type X. Last evaluated: 2026-02-01. Review status: criteria provided, single submitter. Criteria: Invitae Variant Classification Sherloc (09022015). Collection method: clinical testing. Allele origin: germline.

Blueprint Genetics
Classification: Uncertain significance. Last evaluated: 2024-09-09. Review status: criteria provided, single submitter. Criteria: ACMG Guidelines, 2015. Collection method: clinical testing. Allele origin: germline.

Baylor Genetics
Classification: Uncertain significance for Glycogen storage disease type X. Last evaluated: 2022-04-14. Review status: criteria provided, single submitter. Criteria: ACMG Guidelines, 2015. Collection method: clinical testing. Allele origin: unknown.

GeneDx
Classification: Uncertain significance. Last evaluated: 2018-01-25. Review status: criteria provided, single submitter. Criteria: GeneDx Variant Classification (06012015). Collection method: clinical testing. Allele origin: germline. Affected: yes.
Comment: The A104T variant in the PGAM2 gene has not been reported previously as a pathogenic variant, nor as a benign variant, to our knowledge. While not present in the homozygous state, this variant is observed in 42/10362 (0.41%) alleles from individuals of African background in the ExAC dataset (Lek et al., 2016). The A104T variant is a non-conservative amino acid substitution, which is likely to impact secondary protein structure as these residues differ in polarity, charge, size and/or other properties. This substitution occurs at a position that is conserved across species. In silico analysis predicts this variant is probably damaging to the protein structure/function. We interpret A104T as a variant of uncertain significance.

Eurofins Ntd Llc (ga)
Classification: Uncertain significance. Last evaluated: 2016-09-06. Review status: criteria provided, single submitter. Criteria: EGL Classification Definitions 2015. Collection method: clinical testing. Allele origin: germline. Observed: 1 variant allele, 1 heterozygote.

PreventionGenetics, part of Exact Sciences
Classification: Likely benign for PGAM2-related condition. Last evaluated: 2023-05-22. Review status: no assertion criteria provided. Collection method: clinical testing. Allele origin: germline. Not counted in ClinVar's aggregate classification.
Comment: This variant is classified as likely benign based on ACMG/AMP sequence variant interpretation guidelines (Richards et al. 2015 PMID: 25741868, with internal and published modifications).